The following is an entry in ClinVar:

ClinVar aggregate classification (germline): Uncertain significance (1 of 4 stars; one submission).

Allele frequency attached by ClinVar (database versions not stated): ExAC 0.00001.
gnomAD v4.1: 4 of 1,613,846 alleles (0.00025%); highest among the groups gnomAD compares: South Asian, 0.0033%; no homozygotes.

Submission:

Labcorp Genetics (formerly Invitae), Labcorp
Classification: Uncertain significance. Last evaluated: 2022-06-29. Review status: criteria provided, single submitter. Criteria: Invitae Variant Classification Sherloc (09022015). Collection method: clinical testing. Allele origin: germline.
Comment: This sequence change replaces serine, which is neutral and polar, with proline, which is neutral and non-polar, at codon 2555 of the KMT2A protein (p.Ser2555Pro). In summary, the available evidence is currently insufficient to determine the role of this variant in disease. Therefore, it has been classified as a Variant of Uncertain Significance. Advanced modeling of protein sequence and biophysical properties (such as structural, functional, and spatial information, amino acid conservation, physicochemical variation, residue mobility, and thermodynamic stability) performed at Invitae indicates that this missense variant is not expected to disrupt KMT2A protein function. This variant has not been reported in the literature in individuals affected with KMT2A-related conditions. This variant is present in population databases (rs782495804, gnomAD 0.003%).

NM_001197104.2(KMT2A):c.7663T>C (p.Ser2555Pro)

Gene: KMT2A (lysine methyltransferase 2A; plus strand). Cytogenetic location: 11q23.3.
Variant type: single nucleotide variant.
Coding change: c.7663T>C on transcript NM_001197104.2 (MANE Select); coding-DNA position 7663, T replaced by C.
Protein change: p.Ser2555Pro; replaces serine 2555 with proline.
Molecular consequence: missense variant.
Genome position (GRCh38, 1-based): chr11:118,503,555, T>C. VCF-style: chr11-118503555-T-C. GRCh37 (hg19) VCF-style: chr11-118374270-T-C.
Other names: c.7753T>C, p.Ser2585Pro (NM_001412597.1); c.7654T>C, p.Ser2552Pro (NM_005933.4); short protein forms S2555P, S2552P, S2585P.
Identifiers: ClinVar variation 2012279 (VCV002012279.4), dbSNP rs782495804, ClinGen allele CA6304420.